The following is an entry in ClinVar:

NM_001395159.1(UNC79):c.5697C>T (p.Ser1899=)

Gene: UNC79 (unc-79 subunit of NALCN channel complex; plus strand). Cytogenetic location: 14q32.12.
Variant type: single nucleotide variant.
Coding change: c.5697C>T on transcript NM_001395159.1 (MANE Select); coding-DNA position 5697, C replaced by T.
Protein change: p.Ser1899=; no amino-acid change (serine 1899 retained).
Molecular consequence: synonymous variant.
Genome position (GRCh38, 1-based): chr14:93,622,714, C>T. VCF-style: chr14-93622714-C-T. GRCh37 (hg19) VCF-style: chr14-94089060-C-T.
Other names: c.5631C>T, p.Ser1877= (NM_001346218.2); c.4950C>T, p.Ser1650= (NM_020818.5).
Identifiers: ClinVar variation 4821443 (VCV004821443.4).

ClinVar aggregate classification (germline): Likely benign (1 of 4 stars; one submission).

gnomAD v4.1: 53 of 1,613,958 alleles (0.0033%); highest among the groups gnomAD compares: Admixed American, 0.02%; no homozygotes.

Submission:

CeGaT Center for Human Genetics Tuebingen
Classification: Likely benign. Last evaluated: 2026-03-01. Review status: criteria provided, single submitter. Criteria: CeGaT Center For Human Genetics Tuebingen Variant Classification Criteria Version 2. Collection method: clinical testing. Allele origin: germline. Affected: yes. Observed: 1 variant allele.
Comment: UNC79: BP4, BP7